The following is an entry in ClinVar:

NM_017565.4(FAM20A):c.752TCT[1] (p.Phe252del)

Genes: FAM20A (FAM20A golgi associated secretory pathway pseudokinase; minus strand), PRKAR1A (protein kinase cAMP-dependent type I regulatory subunit alpha; plus strand). Cytogenetic location: 17q24.2.
Variant type: Microsatellite.
Coding change: c.752TCT[1] on transcript NM_017565.4 (MANE Select); one copy of the 3-base unit TCT starting at c.752; the reference has two copies in a row; one copy, 3 bases deleted; also written c.755_757del.
Protein change: p.Phe252del; deletes phenylalanine 252.
Molecular consequence: inframe deletion. On other transcripts: non-coding transcript variant (1), intron variant (1).
Genome position (GRCh38, 1-based): chr17:68,543,684-68,543,686, AGA deleted on the plus strand (TCT on the coding strand, the reverse complement: FAM20A is on the minus strand); deleting any 3 consecutive bases within chr17:68,543,684-68,543,691 gives the same sequence; the position shown is the placement nearest the transcript's 3' end. VCF-style (leftmost placement, unchanged base first): chr17-68543683-TAGA-T. GRCh37 (hg19) VCF-style: chr17-66539824-TAGA-T.
Other names: c.755_757del (NM_017565.4); c.338TCT[1], p.Phe114del (NM_001243746.2); c.974-7395_974-7393del (NM_001276290.1); short protein forms F114del, F252del.
Identifiers: ClinVar variation 3351868 (VCV003351868.4).
Genomic context (GRCh38, chr17:68,543,683, plus strand): 5'-CCCTACCTGTCCAGATGGAAAGCTGCGATCTCAGCATTGTGTCTCTGAAAGTCAATGAAG[TAGA>T]AGAAGTCCACTGGTGTCTCCTCATCTCGCTGCTGTCTGGAAGGAAGGAAGGAATCACGCC-3'

ClinVar aggregate classification (germline): Likely pathogenic. Review status: criteria provided, multiple submitters, no conflicts (2 of 4 stars). 3 submissions from 3 submitters: Likely pathogenic (2). 1 of the submissions does not count toward it. Last evaluated 2025-08-13.

Conditions:
Amelogenesis imperfecta type 1G (AI1G). Also called: ENAMEL-RENAL-GINGIVAL SYNDROME; AMELOGENESIS IMPERFECTA, HYPOPLASTIC, WITH NEPHROCALCINOSIS; Amelogenesis imperfecta-gingival hyperplasia syndrome; Amelogenesis imperfecta nephrocalcinosis; Enamel renal syndrome; Absent enamel, nephrocalcinosis and apparently normal calcium metabolism. Identifiers: Orphanet 1031, Orphanet 171836, MedGen C2931783, MONDO:0008771, OMIM 204690. Disease mechanism: loss of function.
FAM20A-related disorder. Also called: FAM20A-related condition.
FAM20A-related disorders.

Submissions (3):

Clinical Genetics Laboratory, Region Ostergotland
Classification: Likely pathogenic for Amelogenesis imperfecta type 1G. Last evaluated: 2025-08-13. Review status: criteria provided, single submitter. Criteria: ACMG Guidelines, 2015. Collection method: clinical testing. Allele origin: germline. Affected: yes.
Comment: The NM_017565.4:c.755_757del variant in gene FAM20A is rare in population database (0.01208% gnomAD v4.1.0). The variant is located in the Kβ3-Kα3 loop of the protein (PMID:28432788) and has previously been found in the homozygous state in a patient with Enamel-renal syndrome (PMID:23468644). The variant is present in trans with a second variant (in house data). The following ACMG/AMP criteria were applied in classifying this variant: PM2, PM4, PM1, PP4, PM3

Blueprint Genetics
Classification: Likely pathogenic for FAM20A-related disorders. Last evaluated: 2019-11-18. Review status: criteria provided, single submitter. Criteria: ACMG Guidelines, 2015. Collection method: clinical testing. Allele origin: germline. Affected: yes. Observed: 1 variant allele.

PreventionGenetics, part of Exact Sciences
Classification: Uncertain significance for FAM20A-related condition. Last evaluated: 2024-07-25. Review status: no assertion criteria provided. Collection method: clinical testing. Allele origin: germline. Not counted in ClinVar's aggregate classification.
Comment: The FAM20A c.755_757delTCT variant is predicted to result in an in-frame deletion (p.Phe252del). This variant was reported in the compound heterozygous state along with the FAM20A c.641_719del79bp (p.I214fsX259) variant in two siblings with enamel-renal syndrome (Jaureguiberry et al. 2013. PubMed ID: 23434854). This variant is reported in 0.013% of alleles in individuals of South Asian descent in gnomAD. Although we suspect that this variant may be pathogenic, at this time, the clinical significance is uncertain due to the absence of conclusive functional and genetic evidence.

Literature cited by the submitters: PubMed 28432788 (cited by Clinical Genetics Laboratory, Region Ostergotland); PubMed 23468644 (cited by Clinical Genetics Laboratory, Region Ostergotland).